The following is an entry in ClinVar:

NM_198578.4(LRRK2):c.3736A>G (p.Arg1246Gly)

Gene: LRRK2 (leucine rich repeat kinase 2; plus strand). Cytogenetic location: 12q12.
Variant type: single nucleotide variant.
Coding change: c.3736A>G on transcript NM_198578.4 (MANE Select); coding-DNA position 3736, A replaced by G.
Protein change: p.Arg1246Gly; replaces arginine 1246 with glycine.
Molecular consequence: missense variant.
Genome position (GRCh38, 1-based): chr12:40,304,093, A>G. VCF-style: chr12-40304093-A-G. GRCh37 (hg19) VCF-style: chr12-40697895-A-G.
Other names: short protein forms R1246G.
Identifiers: ClinVar variation 3291862 (VCV003291862.1).

ClinVar aggregate classification (germline): Uncertain significance (1 of 4 stars; one submission).

Conditions:
Inborn genetic diseases. Identifiers: MedGen C0950123, MeSH D030342.

gnomAD v4.1: 1 of 1,613,560 alleles (0.000062%); highest among the groups gnomAD compares: South Asian, 0.0011%; no homozygotes.

Submission:

Ambry Genetics
Classification: Uncertain significance for Inborn genetic diseases. Last evaluated: 2024-06-15. Review status: criteria provided, single submitter. Criteria: Ambry Variant Classification Scheme 2023. Collection method: clinical testing. Allele origin: germline.
Comment: The p.R1246G variant (also known as c.3736A>G), located in coding exon 27 of the LRRK2 gene, results from an A to G substitution at nucleotide position 3736. The arginine at codon 1246 is replaced by glycine, an amino acid with dissimilar properties. This amino acid position is conserved. In addition, this alteration is predicted to be tolerated by in silico analysis. Based on the available evidence, the clinical significance of this variant remains unclear.